The following is an entry in ClinVar:

ClinVar aggregate classification (germline): Conflicting classifications of pathogenicity. Review status: criteria provided, conflicting classifications (1 of 4 stars). 3 submissions from 3 submitters: Uncertain significance (2); Likely benign (1). Last evaluated 2025-12-27.

Allele frequency attached by ClinVar (database versions not stated): gnomAD exomes 0.00001; ExAC 0.00001.
gnomAD v4.1: 12 of 1,210,592 alleles (0.00099%); highest among the groups gnomAD compares: Non-Finnish European, 0.0013%; no homozygotes.

Submissions (3):

Labcorp Genetics (formerly Invitae), Labcorp
Classification: Uncertain significance. Last evaluated: 2025-12-27. Review status: criteria provided, single submitter. Criteria: Invitae Variant Classification Sherloc (09022015). Collection method: clinical testing. Allele origin: germline.
Comment: This sequence change replaces arginine, which is basic and polar, with lysine, which is basic and polar, at codon 507 of the NEXMIF protein (p.Arg507Lys). This variant is present in population databases (rs778472603, gnomAD 0.001%), including at least one homozygous and/or hemizygous individual. This variant has not been reported in the literature in individuals affected with NEXMIF-related conditions. ClinVar contains an entry for this variant (Variation ID: 1207221). An algorithm developed to predict the effect of missense changes on protein structure and function outputs the following: PolyPhen-2: "Benign". The lysine amino acid residue is found in multiple mammalian species, which suggests that this missense change does not adversely affect protein function. In summary, the available evidence is currently insufficient to determine the role of this variant in disease. Therefore, it has been classified as a Variant of Uncertain Significance.

Ambry Genetics
Classification: Uncertain significance. Last evaluated: 2025-04-29. Review status: criteria provided, single submitter. Criteria: Ambry Variant Classification Scheme 2023. Collection method: clinical testing. Allele origin: germline.

GeneDx
Classification: Likely benign. Last evaluated: 2020-04-21. Review status: criteria provided, single submitter. Criteria: GeneDx Variant Classification Process June 2021. Collection method: clinical testing. Allele origin: germline. Affected: yes.

NM_001008537.3(NEXMIF):c.1520G>A (p.Arg507Lys)

Gene: NEXMIF (neurite extension and migration factor; minus strand). Cytogenetic location: Xq13.3.
Variant type: single nucleotide variant.
Coding change: c.1520G>A on transcript NM_001008537.3 (MANE Select); coding-DNA position 1520, G replaced by A.
Protein change: p.Arg507Lys; replaces arginine 507 with lysine.
Molecular consequence: missense variant.
Genome position (GRCh38, 1-based): chrX:74,743,037, C>T on the plus strand (G>A on the coding strand, the complement: NEXMIF is on the minus strand). VCF-style: chrX-74743037-C-T. GRCh37 (hg19) VCF-style: chrX-73962872-C-T.
Other names: short protein forms R507K.
Identifiers: ClinVar variation 1207221 (VCV001207221.7), dbSNP rs778472603, ClinGen allele CA10455118.